The following is an entry in ClinVar:

NM_003356.4(UCP3):c.526_527del (p.Arg176fs)

Gene: UCP3 (uncoupling protein 3; minus strand). Cytogenetic location: 11q13.4.
Variant type: Deletion.
Coding change: c.526_527del on transcript NM_003356.4 (MANE Select); coding-DNA positions 526 to 527, 2 bases deleted (AG; older notation c.526_527delAG).
Protein change: p.Arg176fs; shifts the reading frame from arginine 176.
Molecular consequence: frameshift variant.
Genome position (GRCh38, 1-based): chr11:74,005,744-74,005,745, CT deleted on the plus strand (AG on the coding strand, the reverse complement: UCP3 is on the minus strand). VCF-style (leftmost placement, unchanged base first): chr11-74005743-CCT-C. GRCh37 (hg19) VCF-style: chr11-73716788-CCT-C.
Other names: c.526_527del, p.Arg176fs (NM_022803.3); short protein forms R176fs.
Identifiers: ClinVar variation 3357832 (VCV003357832.1).

ClinVar aggregate classification (germline): Uncertain significance (0 of 4 stars; one submission).

Conditions:
UCP3-related disorder. Also called: UCP3-related condition.

Submission:

PreventionGenetics, part of Exact Sciences
Classification: Uncertain significance for UCP3-related condition. Last evaluated: 2024-04-30. Review status: no assertion criteria provided. Collection method: clinical testing. Allele origin: germline.
Comment: The UCP3 c.526_527delAG variant is predicted to result in a frameshift and premature protein termination (p.Arg176Glyfs*20). To our knowledge, this variant has not been reported in the literature. This variant is reported in 0.016% of alleles in individuals of South Asian descent in gnomAD. This variant may be pathogenic; however, due to the small number of UCP3 chain-terminating variants associated with obesity, the clinical significance of this variant is uncertain at this time.